The following is an entry in ClinVar:

NM_016616.5(NME8):c.271-14C>T

Gene: NME8 (NME/NM23 family member 8; plus strand). Cytogenetic location: 7p14.1.
Variant type: single nucleotide variant.
Coding change: c.271-14C>T on transcript NM_016616.5 (MANE Select); 14 bases into the intron before coding-DNA position 271, C replaced by T.
Molecular consequence: intron variant.
Genome position (GRCh38, 1-based): chr7:37,862,014, C>T. VCF-style: chr7-37862014-C-T. GRCh37 (hg19) VCF-style: chr7-37901616-C-T.
Identifiers: ClinVar variation 226854 (VCV000226854.13), dbSNP rs75531720, ClinGen allele CA4222132.

ClinVar aggregate classification (germline): Benign. Review status: criteria provided, multiple submitters, no conflicts (2 of 4 stars). 3 submissions from 3 submitters: Benign (3). Last evaluated 2026-02-03.

Conditions:
Primary ciliary dyskinesia 6. Also called: Primary Ciliary Dyskinesia 6: TXNDC3-Related Primary Ciliary Dyskinesia. Identifiers: Orphanet 244, MedGen C1970506, MONDO:0012571, OMIM 610852.

Allele frequency attached by ClinVar (database versions not stated): gnomAD exomes 0.00054 and 0.00153; ExAC 0.00198; gnomAD 0.00498 and 0.00526; TOPMed 0.00558; ESP Exome Variant Server 0.00623; 1000 Genomes Project 0.00699; 1000 Genomes Project 30x 0.00828.
gnomAD v4.1: 1,576 of 1,564,850 alleles (0.1%); highest among the groups gnomAD compares: African/African-American, 1.6%; 13 homozygotes.

Submissions (3):

Labcorp Genetics (formerly Invitae), Labcorp
Classification: Benign for Primary ciliary dyskinesia 6. Last evaluated: 2026-02-03. Review status: criteria provided, single submitter. Criteria: Invitae Variant Classification Sherloc (09022015). Collection method: clinical testing. Allele origin: germline.

Laboratory for Molecular Medicine, Mass General Brigham Personalized Medicine
Classification: Benign. Last evaluated: 2013-02-21. Review status: criteria provided, single submitter. Criteria: LMM Criteria. Collection method: clinical testing. Allele origin: germline. Observed: 1 variant allele.
Comment: 271-14C>T in intron 6 of TXNDC3: This variant is not expected to have clinical s ignificance because it has been identified in 1.8% (79/4406) of African American chromosomes from a broad population by the NHLBI Exome Sequencing Project (dbSNP rs75531720).

PreventionGenetics, part of Exact Sciences
Classification: Benign. Review status: criteria provided, single submitter. Criteria: ACMG Guidelines, 2015. Collection method: clinical testing. Allele origin: germline.